The following is an entry in ClinVar:

ClinVar aggregate classification (germline): Uncertain significance (1 of 4 stars; one submission).

Allele frequency attached by ClinVar (database versions not stated): gnomAD 0.00001; gnomAD exomes below 0.00001.
gnomAD v4.1: 7 of 1,612,800 alleles (0.00043%); highest among the groups gnomAD compares: East Asian, 0.0022%; no homozygotes.

Submission:

Labcorp Genetics (formerly Invitae), Labcorp
Classification: Uncertain significance. Last evaluated: 2024-08-07. Review status: criteria provided, single submitter. Criteria: Invitae Variant Classification Sherloc (09022015). Collection method: clinical testing. Allele origin: germline.
Comment: This sequence change replaces phenylalanine, which is neutral and non-polar, with leucine, which is neutral and non-polar, at codon 42 of the NUP62 protein (p.Phe42Leu). This variant is present in population databases (no rsID available, gnomAD 0.005%). This variant has not been reported in the literature in individuals affected with NUP62-related conditions. ClinVar contains an entry for this variant (Variation ID: 1502447). Experimental studies and prediction algorithms are not available or were not evaluated, and the functional significance of this variant is currently unknown. In summary, the available evidence is currently insufficient to determine the role of this variant in disease. Therefore, it has been classified as a Variant of Uncertain Significance.

NM_016553.5(NUP62):c.124T>C (p.Phe42Leu)

Genes: IL4I1 (interleukin 4 induced 1; minus strand), NUP62 (nucleoporin 62; minus strand). Cytogenetic location: 19q13.33.
Variant type: single nucleotide variant.
Coding change: c.124T>C on transcript NM_016553.5 (MANE Select); coding-DNA position 124, T replaced by C.
Protein change: p.Phe42Leu; replaces phenylalanine 42 with leucine.
Molecular consequence: missense variant. On other transcripts: intron variant (3).
Genome position (GRCh38, 1-based): chr19:49,909,684, A>G on the plus strand (T>C on the coding strand, the complement: NUP62 is on the minus strand). VCF-style: chr19-49909684-A-G. GRCh37 (hg19) VCF-style: chr19-50412941-A-G.
Other names: c.124T>C, p.Phe42Leu (NM_001193357.2, NM_012346.5, NM_153718.4 and 1 more transcripts); c.-227-5363T>C (NM_001258017.2, NM_172374.3); c.-285-5363T>C (NM_001258018.2); short protein forms F42L.
Identifiers: ClinVar variation 1502447 (VCV001502447.6), dbSNP rs1424575225, ClinGen allele CA406928718.